The following is an entry in ClinVar:

NM_033453.4(ITPA):c.125T>C (p.Leu42Pro)

Gene: ITPA (inosine triphosphatase; plus strand). Cytogenetic location: 20p13.
Variant type: single nucleotide variant.
Coding change: c.125T>C on transcript NM_033453.4 (MANE Select); coding-DNA position 125, T replaced by C.
Protein change: p.Leu42Pro; replaces leucine 42 with proline.
Molecular consequence: missense variant. On other transcripts: 5 prime UTR variant (4), intron variant (1).
Genome position (GRCh38, 1-based): chr20:3,213,319, T>C. VCF-style: chr20-3213319-T-C. GRCh37 (hg19) VCF-style: chr20-3193965-T-C.
Other names: c.-213T>C (NM_001324236.2, NM_001324237.2, NM_001324238.2 and 1 more transcripts); c.125T>C, p.Leu42Pro (NM_001324240.2, NM_001424408.1); c.251T>C, p.Leu84Pro (NM_001424409.1); c.74T>C, p.Leu25Pro (NM_181493.4); c.67-666T>C (NM_001267623.2); short protein forms L25P, L42P, L84P.
Identifiers: ClinVar variation 2189619 (VCV002189619.3), dbSNP rs780431801, ClinGen allele CA9741177.

ClinVar aggregate classification (germline): Uncertain significance (1 of 4 stars; one submission).

Conditions:
Inosine triphosphatase deficiency. Also called: INOSINE TRIPHOSPHATE PYROPHOSPHOHYDROLASE DEFICIENCY. Identifiers: MedGen C0342800, MONDO:0013461, OMIM 613850.

Allele frequency attached by ClinVar (database versions not stated): gnomAD exomes below 0.00001; ExAC 0.00001.
gnomAD v4.1: 1 of 1,614,064 alleles (0.000062%); highest among the groups gnomAD compares: Non-Finnish European, 0.000085%; no homozygotes.

Submission:

Labcorp Genetics (formerly Invitae), Labcorp
Classification: Uncertain significance for Inosine triphosphatase deficiency. Last evaluated: 2022-07-01. Review status: criteria provided, single submitter. Criteria: Invitae Variant Classification Sherloc (09022015). Collection method: clinical testing. Allele origin: germline.
Comment: This variant is present in population databases (rs780431801, gnomAD 0.0009%). This variant has not been reported in the literature in individuals affected with ITPA-related conditions. Algorithms developed to predict the effect of missense changes on protein structure and function (SIFT, PolyPhen-2, Align-GVGD) all suggest that this variant is likely to be disruptive. In summary, the available evidence is currently insufficient to determine the role of this variant in disease. Therefore, it has been classified as a Variant of Uncertain Significance. This sequence change replaces leucine, which is neutral and non-polar, with proline, which is neutral and non-polar, at codon 42 of the ITPA protein (p.Leu42Pro).